The following is an entry in ClinVar:

ClinVar aggregate classification (germline): Conflicting classifications of pathogenicity. Review status: criteria provided, conflicting classifications (1 of 4 stars). 2 submissions from 1 submitter: Uncertain significance (1); Likely benign (1). Last evaluated 2018-01-12.

Conditions:
Dilated cardiomyopathy 1V (CMD1V). Identifiers: Orphanet 154, MedGen C3150958, MONDO:0013373, OMIM 613697.
Alzheimer disease 4 (AD4). Identifiers: Orphanet 1020, MedGen C1847200, MONDO:0011743, OMIM 606889.

Allele frequency attached by ClinVar (database versions not stated): gnomAD 0.00226; TOPMed 0.00288; 1000 Genomes Project 30x 0.00344; 1000 Genomes Project 0.00359.
gnomAD v4.1: 770 of 1,258,778 alleles (0.061%); highest among the groups gnomAD compares: African/African-American, 0.81%; 2 homozygotes.

Submissions (2):

Illumina Laboratory Services, Illumina
Classification: Uncertain significance for Dilated cardiomyopathy 1V. Last evaluated: 2018-01-12. Review status: criteria provided, single submitter. Criteria: ICSL Variant Classification Criteria 13 December 2019. Collection method: clinical testing. Allele origin: germline.

Illumina Laboratory Services, Illumina
Classification: Likely benign for Alzheimer disease 4. Last evaluated: 2018-01-12. Review status: criteria provided, single submitter. Criteria: ICSL Variant Classification Criteria 13 December 2019. Collection method: clinical testing. Allele origin: germline.
Comment: This variant was observed in the ICSL laboratory as part of a predisposition screen in an ostensibly healthy population. It had not been previously curated by ICSL or reported in the Human Gene Mutation Database (HGMD: prior to June 1st, 2018), and was therefore a candidate for classification through an automated scoring system. Utilizing variant allele frequency, disease prevalence and penetrance estimates, and inheritance mode, an automated score was calculated to assess if this variant is too frequent to cause the disease. Based on the score and internal cut-off values, a variant classified as likely benign is not then subjected to further curation. The score for this variant resulted in a classification of likely benign for this disease.

NM_000447.3(PSEN2):c.*120G>A

Gene: PSEN2 (presenilin 2; plus strand). Cytogenetic location: 1q42.13.
Variant type: single nucleotide variant.
Coding change: c.*120G>A on transcript NM_000447.3 (MANE Select); 120 bases downstream of the stop codon, G replaced by A.
Molecular consequence: 3 prime UTR variant.
Genome position (GRCh38, 1-based): chr1:226,895,699, G>A. VCF-style: chr1-226895699-G-A. GRCh37 (hg19) VCF-style: chr1-227083400-G-A.
Other names: c.*120G>A (NM_012486.3).
Identifiers: ClinVar variation 295999 (VCV000295999.5), dbSNP rs143059995, ClinGen allele CA10609380.